The following is an entry in ClinVar:

ClinVar aggregate classification (germline): Uncertain significance (1 of 4 stars; one submission).

Conditions:
Werner syndrome (WRN). Identifiers: Orphanet 902, MedGen C0043119, MONDO:0010196, OMIM 277700.

Allele frequency attached by ClinVar (database versions not stated): gnomAD exomes below 0.00001.
gnomAD v4.1: 1 of 1,612,042 alleles (0.000062%); highest among the groups gnomAD compares: Non-Finnish European, 0.000085%; no homozygotes.

Submission:

Labcorp Genetics (formerly Invitae), Labcorp
Classification: Uncertain significance for Werner syndrome. Last evaluated: 2020-12-14. Review status: criteria provided, single submitter. Criteria: Invitae Variant Classification Sherloc (09022015). Collection method: clinical testing. Allele origin: germline.
Comment: This variant has not been reported in the literature in individuals with WRN-related conditions. This variant is not present in population databases (ExAC no frequency). This sequence change replaces aspartic acid with glutamic acid at codon 429 of the WRN protein (p.Asp429Glu). The aspartic acid residue is weakly conserved and there is a small physicochemical difference between aspartic acid and glutamic acid. In summary, the available evidence is currently insufficient to determine the role of this variant in disease. Therefore, it has been classified as a Variant of Uncertain Significance. Algorithms developed to predict the effect of missense changes on protein structure and function are either unavailable or do not agree on the potential impact of this missense change (SIFT: "Not Available"; PolyPhen-2: "Benign"; Align-GVGD: "Not Available").

NM_000553.6(WRN):c.1287T>G (p.Asp429Glu)

Gene: WRN (WRN RecQ like helicase; plus strand). Cytogenetic location: 8p12.
Variant type: single nucleotide variant.
Coding change: c.1287T>G on transcript NM_000553.6 (MANE Select); coding-DNA position 1287, T replaced by G.
Protein change: p.Asp429Glu; replaces aspartic acid 429 with glutamic acid.
Molecular consequence: missense variant.
Genome position (GRCh38, 1-based): chr8:31,083,716, T>G. VCF-style: chr8-31083716-T-G. GRCh37 (hg19) VCF-style: chr8-30941232-T-G.
Other names: short protein forms D429E.
Identifiers: ClinVar variation 1425401 (VCV001425401.6), dbSNP rs2130133161, ClinGen allele CA370922485.